The following is an entry in ClinVar:

NM_001127222.2(CACNA1A):c.6304-13G>A

Gene: CACNA1A (calcium voltage-gated channel subunit alpha1 A; minus strand). Cytogenetic location: 19p13.13.
Variant type: single nucleotide variant.
Coding change: c.6304-13G>A on transcript NM_001127222.2 (MANE Select); 13 bases into the intron before coding-DNA position 6304, G replaced by A.
Molecular consequence: intron variant.
Genome position (GRCh38, 1-based): chr19:13,210,665, C>T on the plus strand (G>A on the coding strand, the complement: CACNA1A is on the minus strand). VCF-style: chr19-13210665-C-T. GRCh37 (hg19) VCF-style: chr19-13321479-C-T.
Other names: c.6307-13G>A (NM_001127221.2); c.6313-13G>A (NM_001174080.2); c.6322-13G>A (NM_000068.4, NM_023035.3).
Identifiers: ClinVar variation 2030721 (VCV002030721.9), dbSNP rs2512526293, ClinGen allele CA657440315.

ClinVar aggregate classification (germline): Uncertain significance. Review status: criteria provided, multiple submitters, no conflicts (2 of 4 stars). 3 submissions from 3 submitters: Uncertain significance (3). Last evaluated 2025-11-10.

Conditions:
Developmental and epileptic encephalopathy, 42 (DEE42A). Also called: DEVELOPMENTAL AND EPILEPTIC ENCEPHALOPATHY 42A; EPILEPTIC ENCEPHALOPATHY, EARLY INFANTILE, 42A; Epileptic encephalopathy, early infantile, 42. Identifiers: MedGen C4310716, MONDO:0014917, OMIM 617106.
Episodic ataxia type 2 (EA2). Also called: ACETAZOLAMIDE-RESPONSIVE HEREDITARY PAROXYSMAL CEREBELLAR ATAXIA; ATAXIA, EPISODIC, WITH NYSTAGMUS; ATAXIA, FAMILIAL PAROXYSMAL; CEREBELLAR ATAXIA, PAROXYSMAL, ACETAZOLAMIDE-RESPONSIVE; CEREBELLOPATHY, HEREDITARY PAROXYSMAL; EPISODIC ATAXIA, NYSTAGMUS-ASSOCIATED. Identifiers: Orphanet 97, MedGen C1720416, MONDO:0007163, OMIM 108500.

Submissions (3):

GeneDx
Classification: Uncertain significance. Last evaluated: 2025-11-10. Review status: criteria provided, single submitter. Criteria: GeneDx Variant Classification Process June 2021. Collection method: clinical testing. Allele origin: germline. Affected: yes.
Comment: Not observed at significant frequency in large population cohorts (gnomAD); In silico analysis supports a deleterious effect on splicing; Has not been previously published as pathogenic or benign to our knowledge

Labcorp Genetics (formerly Invitae), Labcorp
Classification: Uncertain significance for Developmental and epileptic encephalopathy, 42; Episodic ataxia type 2. Last evaluated: 2025-03-31. Review status: criteria provided, single submitter. Criteria: Invitae Variant Classification Sherloc (09022015). Collection method: clinical testing. Allele origin: germline.
Comment: This sequence change falls in intron 43 of the CACNA1A gene. It does not directly change the encoded amino acid sequence of the CACNA1A protein. This variant is not present in population databases (gnomAD no frequency). This variant has not been reported in the literature in individuals affected with CACNA1A-related conditions. ClinVar contains an entry for this variant (Variation ID: 2030721). Algorithms developed to predict the effect of sequence changes on RNA splicing suggest that this variant may disrupt the consensus splice site. In summary, the available evidence is currently insufficient to determine the role of this variant in disease. Therefore, it has been classified as a Variant of Uncertain Significance.

Blueprint Genetics
Classification: Uncertain significance. Last evaluated: 2023-11-07. Review status: criteria provided, single submitter. Criteria: ACMG Guidelines, 2015. Collection method: clinical testing. Allele origin: germline.